The following is an entry in ClinVar:

NM_004006.3(DMD):c.8212T>C (p.Trp2738Arg)

Gene: DMD (dystrophin; minus strand). Cytogenetic location: Xp21.1.
Variant type: single nucleotide variant.
Coding change: c.8212T>C on transcript NM_004006.3 (MANE Select); coding-DNA position 8212, T replaced by C.
Protein change: p.Trp2738Arg; replaces tryptophan 2738 with arginine.
Molecular consequence: missense variant.
Genome position (GRCh38, 1-based): chrX:31,627,678, A>G on the plus strand (T>C on the coding strand, the complement: DMD is on the minus strand). VCF-style: chrX-31627678-A-G. GRCh37 (hg19) VCF-style: chrX-31645795-A-G.
Other names: c.8188T>C, p.Trp2730Arg (NM_000109.4); c.8200T>C, p.Trp2734Arg (NM_004009.3); c.7843T>C, p.Trp2615Arg (NM_004010.3); c.4189T>C, p.Trp1397Arg (NM_004011.4); c.4180T>C, p.Trp1394Arg (NM_004012.4); c.832T>C, p.Trp278Arg (NM_004013.3, NM_004020.4, NM_004021.3 and 2 more transcripts); short protein forms W2738R, W1394R, W2730R, W278R, W2734R, W1397R, W2615R.
Identifiers: ClinVar variation 264464 (VCV000264464.15), dbSNP rs372600090, ClinGen allele CA10378131.

ClinVar aggregate classification (germline): Conflicting classifications of pathogenicity. Review status: criteria provided, conflicting classifications (1 of 4 stars). 5 submissions from 5 submitters: Uncertain significance (2); Benign (1); Likely benign (2). Last evaluated 2026-02-02.

Conditions:
Cardiovascular phenotype. Identifiers: MedGen CN230736.
Duchenne muscular dystrophy (DMD). Also called: Duchenne Muscular Dystrophy (DMD); MUSCULAR DYSTROPHY, PSEUDOHYPERTROPHIC PROGRESSIVE, DUCHENNE TYPE. Identifiers: Orphanet 98896, MedGen C0013264, MONDO:0010679, OMIM 310200.

Allele frequency attached by ClinVar (database versions not stated): gnomAD exomes 0.00001 and 0.00003; ExAC 0.00005; ESP Exome Variant Server 0.00009; gnomAD 0.00014 and 0.00016; TOPMed 0.00019.
gnomAD v4.1: 24 of 1,209,545 alleles (0.002%); highest among the groups gnomAD compares: African/African-American, 0.04%; no homozygotes.

Submissions (5):

Labcorp Genetics (formerly Invitae), Labcorp
Classification: Benign for Duchenne muscular dystrophy. Last evaluated: 2026-02-02. Review status: criteria provided, single submitter. Criteria: Invitae Variant Classification Sherloc (09022015). Collection method: clinical testing. Allele origin: germline.

ARUP Laboratories, Molecular Genetics and Genomics, ARUP Laboratories
Classification: Uncertain significance. Last evaluated: 2025-05-14. Review status: criteria provided, single submitter. Criteria: ARUP Molecular Germline Variant Investigation Process 2024. Collection method: clinical testing. Allele origin: germline.
Comment: The DMD c.8212T>C; p.Trp2738Arg variant (rs372600090), to our knowledge, is not reported in the medical literature but is reported in ClinVar (Variation ID: 264464). This variant is found in the African population with an allele frequency of 0.037% (7/19,008 alleles, including two hemizygotes) in the Genome Aggregation Database (v2.1.1). Computational analyses are uncertain whether this variant is neutral or deleterious (REVEL: 0.473). Due to limited information, the clinical significance of this variant is uncertain at this time.

Ambry Genetics
Classification: Likely benign for Cardiovascular phenotype. Last evaluated: 2025-04-07. Review status: criteria provided, single submitter. Criteria: Ambry Variant Classification Scheme 2023. Collection method: clinical testing. Allele origin: germline.

Revvity Omics, Revvity
Classification: Uncertain significance. Last evaluated: 2019-05-30. Review status: criteria provided, single submitter. Criteria: ACMG Guidelines, 2015. Collection method: clinical testing. Allele origin: germline.

GeneDx
Classification: Likely benign. Last evaluated: 2017-12-06. Review status: criteria provided, single submitter. Criteria: GeneDx Variant Classification (06012015). Collection method: clinical testing. Allele origin: germline. Affected: yes.
Comment: This variant is considered likely benign or benign based on one or more of the following criteria: it is a conservative change, it occurs at a poorly conserved position in the protein, it is predicted to be benign by multiple in silico algorithms, and/or has population frequency not consistent with disease.